The following is an entry in ClinVar:

NM_005068.3(SIM1):c.833G>T (p.Arg278Leu)

Gene: SIM1 (SIM bHLH transcription factor 1; minus strand). Cytogenetic location: 6q16.3.
Variant type: single nucleotide variant.
Coding change: c.833G>T on transcript NM_005068.3 (MANE Select); coding-DNA position 833, G replaced by T.
Protein change: p.Arg278Leu; replaces arginine 278 with leucine.
Molecular consequence: missense variant.
Genome position (GRCh38, 1-based): chr6:100,448,163, C>A on the plus strand (G>T on the coding strand, the complement: SIM1 is on the minus strand). VCF-style: chr6-100448163-C-A. GRCh37 (hg19) VCF-style: chr6-100896039-C-A.
Other names: c.833G>T, p.Arg278Leu (NM_001374769.1); short protein forms R278L.
Identifiers: ClinVar variation 5001264 (VCV005001264.1).

ClinVar aggregate classification (germline): Uncertain significance (1 of 4 stars; one submission).

Conditions:
SIM1-related disorder. Also called: SIM1-related disorders; SIM1-related condition.

Submission:

PreventionGenetics, part of Exact Sciences
Classification: Uncertain significance for SIM1-related condition. Last evaluated: 2025-08-20. Review status: criteria provided, single submitter. Criteria: ACMG Guidelines, 2015. Collection method: clinical testing. Allele origin: germline.
Comment: The SIM1 c.833G>T variant is predicted to result in the amino acid substitution p.Arg278Leu. To our knowledge, this variant has not been reported in the literature or in a large population database (gnomAD), indicating this variant is rare. At this time, the clinical significance of this variant is uncertain due to the absence of conclusive functional and genetic evidence.